The following is an entry in ClinVar:

NM_005142.3(CBLIF):c.26T>C (p.Leu9Pro)

Gene: CBLIF (cobalamin binding intrinsic factor; minus strand). Cytogenetic location: 11q12.1.
Variant type: single nucleotide variant.
Coding change: c.26T>C on transcript NM_005142.3 (MANE Select); coding-DNA position 26, T replaced by C.
Protein change: p.Leu9Pro; replaces leucine 9 with proline.
Molecular consequence: missense variant.
Genome position (GRCh38, 1-based): chr11:59,845,428, A>G on the plus strand (T>C on the coding strand, the complement: CBLIF is on the minus strand). VCF-style: chr11-59845428-A-G. GRCh37 (hg19) VCF-style: chr11-59612901-A-G.
Other names: short protein forms L9P.
Identifiers: ClinVar variation 877195 (VCV000877195.6), dbSNP rs146699265, ClinGen allele CA6021708.

ClinVar aggregate classification (germline): Uncertain significance. Review status: criteria provided, multiple submitters, no conflicts (2 of 4 stars). 3 submissions from 3 submitters: Uncertain significance (3). Last evaluated 2023-07-03.

Conditions:
Hereditary intrinsic factor deficiency (IFD). Also called: Congenital intrinsic factor deficiency; PERNICIOUS ANEMIA, CONGENITAL, DUE TO DEFECT OF INTRINSIC FACTOR. Identifiers: Orphanet 332, MedGen C2062370, MONDO:0009852, OMIM 261000.

Allele frequency attached by ClinVar (database versions not stated): ExAC 0.00010; gnomAD exomes 0.00013 and 0.00031; gnomAD 0.00018 and 0.00019; TOPMed 0.00019; ESP Exome Variant Server 0.00046.
gnomAD v4.1: 474 of 1,611,874 alleles (0.029%); highest among the groups gnomAD compares: Non-Finnish European, 0.038%; no homozygotes.

Submissions (3):

Labcorp Genetics (formerly Invitae), Labcorp
Classification: Uncertain significance for Hereditary intrinsic factor deficiency. Last evaluated: 2023-07-03. Review status: criteria provided, single submitter. Criteria: Invitae Variant Classification Sherloc (09022015). Collection method: clinical testing. Allele origin: germline.
Comment: In summary, the available evidence is currently insufficient to determine the role of this variant in disease. Therefore, it has been classified as a Variant of Uncertain Significance. An algorithm developed to predict the effect of missense changes on protein structure and function (PolyPhen-2) suggests that this variant is likely to be disruptive. ClinVar contains an entry for this variant (Variation ID: 877195). This variant has not been reported in the literature in individuals affected with GIF-related conditions. This variant is present in population databases (rs146699265, gnomAD 0.03%). This sequence change replaces leucine, which is neutral and non-polar, with proline, which is neutral and non-polar, at codon 9 of the GIF protein (p.Leu9Pro).

Ambry Genetics
Classification: Uncertain significance. Last evaluated: 2021-08-10. Review status: criteria provided, single submitter. Criteria: Ambry Variant Classification Scheme 2023. Collection method: clinical testing. Allele origin: germline.

Illumina Laboratory Services, Illumina
Classification: Uncertain significance for Hereditary intrinsic factor deficiency. Last evaluated: 2018-01-13. Review status: criteria provided, single submitter. Criteria: ICSL Variant Classification Criteria 13 December 2019. Collection method: clinical testing. Allele origin: germline.